The following is an entry in ClinVar:

NM_003051.4(SLC16A1):c.629C>G (p.Ser210Cys)

Gene: SLC16A1 (solute carrier family 16 member 1; minus strand). Cytogenetic location: 1p13.2.
Variant type: single nucleotide variant.
Coding change: c.629C>G on transcript NM_003051.4 (MANE Select); coding-DNA position 629, C replaced by G.
Protein change: p.Ser210Cys; replaces serine 210 with cysteine.
Molecular consequence: missense variant.
Genome position (GRCh38, 1-based): chr1:112,917,777, G>C on the plus strand (C>G on the coding strand, the complement: SLC16A1 is on the minus strand). VCF-style: chr1-112917777-G-C. GRCh37 (hg19) VCF-style: chr1-113460399-G-C.
Other names: c.629C>G, p.Ser210Cys (NM_001166496.2); short protein forms S210C.
Identifiers: ClinVar variation 2573495 (VCV002573495.4), dbSNP rs765301781, ClinGen allele CA1011396.
Genomic context (GRCh38, chr1:112,917,777, plus strand): 5'-TTTGCATCATGCAGATCTTTTTTCACACCAGATTTTCCAGCTTTCTCAAGGGATGCTTTA[G>C]ACTTATCTTTCCCTGCCTTGGTTGGCTTGGGCCCGATTGGTCGCATGAGGGCTCCAGCAA-3'
Protein context (NP_003042.3, residues 200-220): PKPTKAGKDK[Ser210Cys]KASLEKAGKS

ClinVar aggregate classification (germline): Uncertain significance. Review status: criteria provided, multiple submitters, no conflicts (2 of 4 stars). 2 submissions from 2 submitters: Uncertain significance (2). Last evaluated 2023-06-30.

Allele frequency attached by ClinVar (database versions not stated): ExAC 0.00001; gnomAD 0.00001; gnomAD exomes 0.00001; TOPMed 0.00003.
gnomAD v4.1: 6 of 1,614,046 alleles (0.00037%); highest among the groups gnomAD compares: East Asian, 0.0067%; no homozygotes.

Submissions (2):

Women's Health and Genetics/Laboratory Corporation of America, LabCorp
Classification: Uncertain significance. Last evaluated: 2023-06-30. Review status: criteria provided, single submitter. Criteria: LabCorp Variant Classification Summary - May 2015. Collection method: clinical testing. Allele origin: germline.
Comment: Variant summary: SLC16A1 c.629C>G (p.Ser210Cys) results in a non-conservative amino acid change located in the Major facilitator superfamily domain (IPR020846) of the encoded protein sequence. Three of five in-silico tools predict a damaging effect of the variant on protein function. The variant allele was found at a frequency of 1.2e-05 in 251454 control chromosomes (gnomAD). The available data on variant occurrences in the general population are insufficient to allow any conclusion about variant significance. To our knowledge, no occurrence of c.629C>G in individuals affected with SLC16A1 Related Disorders and no experimental evidence demonstrating its impact on protein function have been reported. No submitters have cited clinical-significance assessments for this variant to ClinVar after 2014. Based on the evidence outlined above, the variant was classified as uncertain significance.

Labcorp Genetics (formerly Invitae), Labcorp
Classification: Uncertain significance. Last evaluated: 2023-06-27. Review status: criteria provided, single submitter. Criteria: Invitae Variant Classification Sherloc (09022015). Collection method: clinical testing. Allele origin: germline.
Comment: This sequence change replaces serine, which is neutral and polar, with cysteine, which is neutral and slightly polar, at codon 210 of the SLC16A1 protein (p.Ser210Cys). This variant is present in population databases (rs765301781, gnomAD 0.02%). This variant has not been reported in the literature in individuals affected with SLC16A1-related conditions. An algorithm developed to predict the effect of missense changes on protein structure and function (PolyPhen-2) suggests that this variant is likely to be tolerated. In summary, the available evidence is currently insufficient to determine the role of this variant in disease. Therefore, it has been classified as a Variant of Uncertain Significance.